The following is an entry in ClinVar:

ClinVar aggregate classification (germline): Likely benign (0 of 4 stars; one submission).

Conditions:
PLXNA3-related disorder. Also called: PLXNA3-related condition.

Allele frequency attached by ClinVar (database versions not stated): ExAC 0.00002; gnomAD exomes 0.00004; TOPMed 0.00005; gnomAD 0.00006; 1000 Genomes Project 30x 0.00021; 1000 Genomes Project 0.00026.
gnomAD v4.1: 53 of 1,208,008 alleles (0.0044%); highest among the groups gnomAD compares: Non-Finnish European, 0.0054%; no homozygotes.

Submission:

PreventionGenetics, part of Exact Sciences
Classification: Likely benign for PLXNA3-related condition. Last evaluated: 2021-11-10. Review status: no assertion criteria provided. Collection method: clinical testing. Allele origin: germline.
Comment: This variant is classified as likely benign based on ACMG/AMP sequence variant interpretation guidelines (Richards et al. 2015 PMID: 25741868, with internal and published modifications).

NM_017514.5(PLXNA3):c.645G>A (p.Thr215=)

Gene: PLXNA3 (plexin A3; plus strand). Cytogenetic location: Xq28.
Variant type: single nucleotide variant.
Coding change: c.645G>A on transcript NM_017514.5 (MANE Select); coding-DNA position 645, G replaced by A.
Protein change: p.Thr215=; no amino-acid change (threonine 215 retained).
Molecular consequence: synonymous variant.
Genome position (GRCh38, 1-based): chrX:154,461,149, G>A. VCF-style: chrX-154461149-G-A. GRCh37 (hg19) VCF-style: chrX-153689489-G-A.
Identifiers: ClinVar variation 3055090 (VCV003055090.2), dbSNP rs199541567, ClinGen allele CA10563771.